The following is an entry in ClinVar:

NM_001903.5(CTNNA1):c.776C>T (p.Ala259Val)

Gene: CTNNA1 (catenin alpha 1; plus strand). Cytogenetic location: 5q31.2.
Variant type: single nucleotide variant.
Coding change: c.776C>T on transcript NM_001903.5 (MANE Select); coding-DNA position 776, C replaced by T.
Protein change: p.Ala259Val; replaces alanine 259 with valine.
Molecular consequence: missense variant.
Genome position (GRCh38, 1-based): chr5:138,824,717, C>T. VCF-style: chr5-138824717-C-T. GRCh37 (hg19) VCF-style: chr5-138160406-C-T.
Other names: c.776C>T, p.Ala259Val (NM_001290307.3, NM_001323982.2, NM_001323983.1 and 3 more transcripts); c.467C>T, p.Ala156Val (NM_001290309.3); c.407C>T, p.Ala136Val (NM_001290310.3); short protein forms A136V, A156V, A259V.
Identifiers: ClinVar variation 1524208 (VCV001524208.10), dbSNP rs2149776385, ClinGen allele CA361129986.

ClinVar aggregate classification (germline): Uncertain significance. Review status: criteria provided, multiple submitters, no conflicts (2 of 4 stars). 2 submissions from 2 submitters: Uncertain significance (2). Last evaluated 2025-01-11.

Conditions:
Hereditary cancer-predisposing syndrome. Also called: Neoplastic Syndromes, Hereditary; Hereditary Cancer Syndrome; Tumor predisposition; Hereditary neoplastic syndrome. Identifiers: Orphanet 140162, MedGen C0027672, MeSH D009386, MONDO:0015356.

gnomAD v4.1: 3 of 1,614,194 alleles (0.00019%); highest among the groups gnomAD compares: Non-Finnish European, 0.00025%; no homozygotes.

Submissions (2):

Labcorp Genetics (formerly Invitae), Labcorp
Classification: Uncertain significance. Last evaluated: 2025-01-11. Review status: criteria provided, single submitter. Criteria: Invitae Variant Classification Sherloc (09022015). Collection method: clinical testing. Allele origin: germline.
Comment: This sequence change replaces alanine, which is neutral and non-polar, with valine, which is neutral and non-polar, at codon 259 of the CTNNA1 protein (p.Ala259Val). This variant is not present in population databases (gnomAD no frequency). This missense change has been observed in individual(s) with clinical features of retinitis pigmentosa (internal data). ClinVar contains an entry for this variant (Variation ID: 1524208). Invitae Evidence Modeling of protein sequence and biophysical properties (such as structural, functional, and spatial information, amino acid conservation, physicochemical variation, residue mobility, and thermodynamic stability) indicates that this missense variant is not expected to disrupt CTNNA1 protein function with a negative predictive value of 80%. In summary, the available evidence is currently insufficient to determine the role of this variant in disease. Therefore, it has been classified as a Variant of Uncertain Significance.

Ambry Genetics
Classification: Uncertain significance for Hereditary cancer-predisposing syndrome. Last evaluated: 2022-09-20. Review status: criteria provided, single submitter. Criteria: Ambry Variant Classification Scheme 2023. Collection method: clinical testing. Allele origin: germline.
Comment: The p.A259V variant (also known as c.776C>T), located in coding exon 5 of the CTNNA1 gene, results from a C to T substitution at nucleotide position 776. The alanine at codon 259 is replaced by valine, an amino acid with similar properties. This amino acid position is conserved. In addition, the in silico prediction for this alteration is inconclusive. Since supporting evidence is limited at this time, the clinical significance of this alteration remains unclear.